The following is an entry in ClinVar:

ClinVar aggregate classification (germline): Uncertain significance. Review status: criteria provided, multiple submitters, no conflicts (2 of 4 stars). 2 submissions from 2 submitters: Uncertain significance (2). Last evaluated 2025-09-21.

Conditions:
Joubert syndrome 23 (JBTS23). Identifiers: Orphanet 475, MedGen C4084822, MONDO:0014664, OMIM 616490.
Short-rib thoracic dysplasia 14 with polydactyly (SRTD14). Identifiers: Orphanet 397715, MedGen C4225286, MONDO:0014688, OMIM 616546.
Inborn genetic diseases. Identifiers: MedGen C0950123, MeSH D030342.

Submissions (2):

Ambry Genetics
Classification: Uncertain significance for Inborn genetic diseases. Last evaluated: 2025-09-21. Review status: criteria provided, single submitter. Criteria: Ambry Variant Classification Scheme 2023. Collection method: clinical testing. Allele origin: germline.

Labcorp Genetics (formerly Invitae), Labcorp
Classification: Uncertain significance for Joubert syndrome 23; Short-rib thoracic dysplasia 14 with polydactyly. Last evaluated: 2022-07-21. Review status: criteria provided, single submitter. Criteria: Invitae Variant Classification Sherloc (09022015). Collection method: clinical testing. Allele origin: germline.
Comment: This sequence change replaces methionine, which is neutral and non-polar, with valine, which is neutral and non-polar, at codon 1535 of the KIAA0586 protein (p.Met1535Val). This variant is not present in population databases (gnomAD no frequency). This variant has not been reported in the literature in individuals affected with KIAA0586-related conditions. Algorithms developed to predict the effect of missense changes on protein structure and function output the following: SIFT: "Tolerated"; PolyPhen-2: "Benign"; Align-GVGD: "Class C0". The valine amino acid residue is found in multiple mammalian species, which suggests that this missense change does not adversely affect protein function. In summary, the available evidence is currently insufficient to determine the role of this variant in disease. Therefore, it has been classified as a Variant of Uncertain Significance.

NM_001329943.3(KIAA0586):c.4444A>G (p.Met1482Val)

Gene: KIAA0586 (KIAA0586; plus strand). Cytogenetic location: 14q23.1.
Variant type: single nucleotide variant.
Coding change: c.4444A>G on transcript NM_001329943.3 (MANE Select); coding-DNA position 4444, A replaced by G.
Protein change: p.Met1482Val; replaces methionine 1482 with valine.
Molecular consequence: missense variant. On other transcripts: intron variant (2).
Genome position (GRCh38, 1-based): chr14:58,540,085, A>G. VCF-style: chr14-58540085-A-G. GRCh37 (hg19) VCF-style: chr14-59006803-A-G.
Other names: c.4603A>G, p.Met1535Val (NM_001244189.2); c.4399A>G, p.Met1467Val (NM_001244190.2); c.4189A>G, p.Met1397Val (NM_001244191.2, NM_001364701.2); c.4312A>G, p.Met1438Val (NM_001244192.2, NM_001329947.2); c.4444A>G, p.Met1482Val (NM_001329944.2); c.4216A>G, p.Met1406Val (NM_014749.5); c.4430-7696A>G (NM_001329946.2); c.4175-7696A>G (NM_001329945.2); and 1 more; short protein forms M1438V, M1535V, M1406V, M1482V, M1467V, M1397V.
Identifiers: ClinVar variation 2076025 (VCV002076025.2), dbSNP rs1678764022, ClinGen allele CA390058896.